The following is an entry in ClinVar:

ClinVar aggregate classification (germline): Pathogenic (1 of 4 stars; one submission).

Submission:

GeneDx
Classification: Pathogenic. Last evaluated: 2015-05-22. Review status: criteria provided, single submitter. Criteria: GeneDx Variant Classification (06012015). Collection method: clinical testing. Allele origin: germline. Affected: yes.
Comment: The c.637_650del14insCACA variant in the SCN1A gene causes a frameshift starting with codon Serine213, changes this amino acid to a Histidine residue and creates a premature Stop codon at position 9 of thenew reading frame, denoted Ser213HisfsX9. This variant is predicted to cause loss of normal proteinfunction either through protein truncation or nonsense-mediated mRNA decay. Although this variant has not been previously reported to our knowledge, we consider it to be pathogenic.

NM_001165963.4(SCN1A):c.637_650delinsCACA (p.Ser213fs)

Gene: SCN1A (sodium voltage-gated channel alpha subunit 1; minus strand). Cytogenetic location: 2q24.3.
Variant type: Indel.
Coding change: c.637_650delinsCACA on transcript NM_001165963.4 (MANE Select); coding-DNA positions 637 to 650, TCGGCATTGAGAAC replaced by CACA.
Protein change: p.Ser213fs; shifts the reading frame from serine 213.
Molecular consequence: frameshift variant. On other transcripts: 5 prime UTR variant (1), non-coding transcript variant (1).
Genome position (GRCh38, 1-based): chr2:166,052,896-166,052,909, GTTCTCAATGCCGA replaced by TGTG on the plus strand (TCGGCATTGAGAAC replaced by CACA on the coding strand, the reverse complement: SCN1A is on the minus strand). VCF-style: chr2-166052896-GTTCTCAATGCCGA-TGTG. GRCh37 (hg19) VCF-style: chr2-166909406-GTTCTCAATGCCGA-TGTG.
Other names: c.637_650delinsCACA, p.Ser213fs (NM_001165964.3, NM_001202435.3, NM_001353948.2 and 10 more transcripts); c.-1789_-1776delinsCACA (NM_001353961.2); short protein forms S213fs.
Identifiers: ClinVar variation 419148 (VCV000419148.1), dbSNP rs1064793678, ClinGen allele CA16617315.
Genomic context (GRCh38, chr2:166,052,896, plus strand): 5'-CTAACCTTGCTCTCACCTGGAATGACTGAAATCGTCTTCAATGCTCGGAGAACTCTGAAT[GTTCTCAATGCCGA>TGTG]GACATTGCCCAGGTCCACAAACTCTGTGACGTACCTGTAATAGGGAGTTCACACACAAAC-3'